The following is an entry in ClinVar:

NM_000053.4(ATP7B):c.4213G>A (p.Gly1405Ser)

Gene: ATP7B (ATPase copper transporting beta; minus strand). Cytogenetic location: 13q14.3.
Variant type: single nucleotide variant.
Coding change: c.4213G>A on transcript NM_000053.4 (MANE Select); coding-DNA position 4213, G replaced by A.
Protein change: p.Gly1405Ser; replaces glycine 1405 with serine.
Molecular consequence: missense variant.
Genome position (GRCh38, 1-based): chr13:51,934,941, C>T on the plus strand (G>A on the coding strand, the complement: ATP7B is on the minus strand). VCF-style: chr13-51934941-C-T. GRCh37 (hg19) VCF-style: chr13-52509077-C-T.
Other names: c.3592G>A, p.Gly1198Ser (NM_001005918.3); c.3880G>A, p.Gly1294Ser (NM_001243182.2); c.3979G>A, p.Gly1327Ser (NM_001330578.2); c.3961G>A, p.Gly1321Ser (NM_001330579.2); short protein forms G1405S, G1198S, G1294S, G1327S, G1321S.
Identifiers: ClinVar variation 444316 (VCV000444316.70), dbSNP rs189601972, ClinGen allele CA6988455.
Genomic context (GRCh38, chr13:51,934,941, plus strand): 5'-CATAGCTGACCTGGTCCCATGGTGTGGCCCTGGGGGAGTCCCGCCACCTGTCATCCATGC[C>T]TATGTGCACACTGACCTGGGATGCCGTCAGGGGCTTCATGTGGCCATGCGCCTGTGCCTC-3'
Protein context (NP_000044.2, residues 1395-1415): LTASQVSVHI[Gly1405Ser]MDDRWRDSPR

ClinVar aggregate classification (germline): Conflicting classifications of pathogenicity. Review status: criteria provided, conflicting classifications (1 of 4 stars). 14 submissions from 14 submitters: Likely pathogenic (1); Uncertain significance (11). 2 of the submissions do not count toward it. Last evaluated 2026-05-12.

Conditions:
Wilson disease (WND). Also called: Wilson's disease. Identifiers: Orphanet 905, MedGen C0019202, MONDO:0010200, OMIM 277900. Disease mechanism: loss of function.
ATP7B-related disorder. Also called: ATP7B-related condition.

Allele frequency attached by ClinVar (database versions not stated): ExAC 0.00003; gnomAD exomes 0.00003 and 0.00004; 1000 Genomes Project 0.00020; gnomAD 0.00023 and 0.00025; 1000 Genomes Project 30x 0.00031; TOPMed 0.00040.

Submissions (14):

Women's Health and Genetics/Laboratory Corporation of America, LabCorp
Classification: Uncertain significance. Last evaluated: 2026-05-12. Review status: criteria provided, single submitter. Criteria: LabCorp Variant Classification Summary - May 2015. Collection method: clinical testing. Allele origin: germline.
Comment: Variant summary: ATP7B c.4213G>A (p.Gly1405Ser) results in a non-conservative amino acid change in the encoded protein sequence. Algorithms developed to predict the effect of missense changes on protein structure and function all suggest that this variant is likely to be disruptive. The variant allele was found at a frequency of 3.6e-05 in 247972 control chromosomes. The available data on variant occurrences in the general population are insufficient to allow any conclusion about variant significance. c.4213G>A has been reported in the literature in at-least one individual from a Wilson Disease patient cohort with at least 1 variant in ATP7B (example: Nayagam_2023). These report(s) do not provide unequivocal conclusions about association of the variant with Wilson Disease. At least one publication reports experimental evidence evaluating an impact on protein function. These results showed the variant to have similar expression and activity compared to wild-type (Calvo_2025). The following publications have been ascertained in the context of this evaluation (PMID: 36096368, 24253677, 40661833). ClinVar contains an entry for this variant (Variation ID: 444316). Based on the evidence outlined above, the variant was classified as uncertain significance.

PreventionGenetics, part of Exact Sciences
Classification: Uncertain significance for ATP7B-related condition. Last evaluated: 2025-12-23. Review status: criteria provided, single submitter. Criteria: ACMG Guidelines, 2015. Collection method: clinical testing. Allele origin: germline.
Comment: The ATP7B c.4213G>A variant is predicted to result in the amino acid substitution p.Gly1405Ser. This variant was reported in a cohort study of patients with Wilson disease; however, additional evidence for pathogenicity was not provided (Nayagam et al. 2023. PubMed ID: 36096368). This variant is reported in 0.0085% of alleles in individuals of Latino descent in gnomAD. At this time, the clinical significance of this variant is uncertain due to the absence of conclusive functional and genetic evidence.

GeneDx
Classification: Uncertain significance. Last evaluated: 2025-07-24. Review status: criteria provided, single submitter. Criteria: GeneDx Variant Classification Process June 2021. Collection method: clinical testing. Allele origin: germline. Affected: yes.
Comment: Reported previously in a cohort of patients with Wilson disease who harbored at least one variant in ATP7B; however, no further information was provided (PMID: 36096368); In silico analysis supports that this missense variant has a deleterious effect on protein structure/function; Not observed at significant frequency in large population cohorts (gnomAD); This variant is associated with the following publications: (PMID: 40661833, 24253677, 35637795, 36096368)

Color Diagnostics, LLC DBA Color Health
Classification: Uncertain significance for Wilson disease. Last evaluated: 2025-06-04. Review status: criteria provided, single submitter. Criteria: ACMG Guidelines, 2015. Collection method: clinical testing. Allele origin: germline.
Comment: This missense variant replaces glycine with serine at codon 1405 of the ATP7B protein. Computational prediction suggests that this variant may have deleterious impact on protein structure and function. To our knowledge, functional studies have not been reported for this variant. This variant has been reported in an individual affected with Wilson disease (PMID: 36096368). This variant has been identified in 11/279374 chromosomes in the general population by the Genome Aggregation Database (gnomAD). The available evidence is insufficient to determine the role of this variant in disease conclusively. Therefore, this variant is classified as a Variant of Uncertain Significance.

All of Us Research Program, National Institutes of Health
Classification: Uncertain significance for Wilson disease. Last evaluated: 2024-09-23. Review status: criteria provided, single submitter. Criteria: ACMG Guidelines, 2015. Collection method: clinical testing. Allele origin: germline. Inheritance: Autosomal recessive inheritance. Observed: 59 variant alleles, 59 heterozygotes.
Comment: This missense variant replaces glycine with serine at codon 1405 of the ATP7B protein. Computational prediction suggests that this variant may have deleterious impact on protein structure and function (internally defined REVEL score threshold >= 0.7, PMID: 27666373). To our knowledge, functional studies have not been reported for this variant. This variant has not been reported in individuals affected with Wilson disease in the literature. This variant has been identified in 11/279374 chromosomes in the general population by the Genome Aggregation Database (gnomAD). The available evidence is insufficient to determine the role of this variant in disease conclusively. Therefore, this variant is classified as a Variant of Uncertain Significance.

This study involves interpretation of variants in research participants for the purpose of population health screening. Participant phenotype was not available at the time of variant classification. Additional details can be found in publication PMID: 35346344, PMCID: PMC8962531

Laboratory for Molecular Medicine, Mass General Brigham Personalized Medicine
Classification: Uncertain significance. Last evaluated: 2024-03-25. Review status: criteria provided, single submitter. Criteria: ACMG Guidelines, 2015. Collection method: clinical testing. Allele origin: germline.
Comment: The p.Gly1405Ser variant in ATP7B has not been reported in individuals with ATP7B-associated disorder(s). This variant has been identified in 0.18% (28/15284) of Latino/Admixed American chromosomes, including 1 homozygotes, by gnomAD (v3.1.2). This variant has also been reported in ClinVar (Variation ID 444316). Computational prediction tools and conservation analyses suggest that this variant may impact the protein, though this information is not predictive enough to determine pathogenicity. In summary, while the clinical significance of this variant is uncertain, these data suggest that it is more likely to be benign. ACMG/AMP Criteria applied: PP3, BS1_Supporting.

CeGaT Center for Human Genetics Tuebingen
Classification: Likely pathogenic. Last evaluated: 2024-02-01. Review status: criteria provided, single submitter. Criteria: CeGaT Center For Human Genetics Tuebingen Variant Classification Criteria Version 2. Collection method: clinical testing. Allele origin: germline. Affected: yes. Observed: 3 variant alleles.
Comment: ATP7B: PM3:Strong, PM2, PP4

Labcorp Genetics (formerly Invitae), Labcorp
Classification: Uncertain significance for Wilson disease. Last evaluated: 2022-09-27. Review status: criteria provided, single submitter. Criteria: Invitae Variant Classification Sherloc (09022015). Collection method: clinical testing. Allele origin: germline.
Comment: This sequence change replaces glycine, which is neutral and non-polar, with serine, which is neutral and polar, at codon 1405 of the ATP7B protein (p.Gly1405Ser). This variant is present in population databases (rs189601972, gnomAD 0.01%). This variant has not been reported in the literature in individuals affected with ATP7B-related conditions. ClinVar contains an entry for this variant (Variation ID: 444316). Advanced modeling of protein sequence and biophysical properties (such as structural, functional, and spatial information, amino acid conservation, physicochemical variation, residue mobility, and thermodynamic stability) performed at Invitae indicates that this missense variant is expected to disrupt ATP7B protein function. In summary, the available evidence is currently insufficient to determine the role of this variant in disease. Therefore, it has been classified as a Variant of Uncertain Significance.

Genome-Nilou Lab
Classification: Uncertain significance for Wilson disease. Last evaluated: 2021-08-10. Review status: criteria provided, single submitter. Criteria: ACMG Guidelines, 2015. Collection method: clinical testing. Allele origin: germline. Affected: no.

Baylor Genetics
Classification: Uncertain significance for Wilson disease. Last evaluated: 2020-02-12. Review status: criteria provided, single submitter. Criteria: ACMG Guidelines, 2015. Collection method: clinical testing. Allele origin: unknown. Affected: yes.
Comment: This variant was determined to be of uncertain significance according to ACMG Guidelines, 2015 [PMID:25741868].

Mayo Clinic Laboratories, Mayo Clinic
Classification: Uncertain significance. Last evaluated: 2019-12-09. Review status: criteria provided, single submitter. Criteria: ACMG Guidelines, 2015. Collection method: clinical testing. Allele origin: germline. Observed: 1 variant allele.

ARUP Laboratories, Molecular Genetics and Genomics, ARUP Laboratories
Classification: Uncertain significance. Last evaluated: 2018-04-04. Review status: criteria provided, single submitter. Criteria: ARUP Molecular Germline Variant Investigation Process. Collection method: clinical testing. Allele origin: germline.
Comment: The ATP7B c.4213G>A; p.Gly1405Ser variant (rs189601972), to our knowledge, is not reported in the medical literature but is reported in ClinVar (Variation ID: 444316). This variant is found in the general population with an overall allele frequency of 0.004% (11/275580 alleles) in the Genome Aggregation Database. The glycine at codon 1405 is highly conserved and computational analyses (SIFT, PolyPhen-2) predict that this variant is deleterious. However, given the lack of clinical and functional data, the significance of the p.Gly1405Ser variant is uncertain at this time.

Natera, Inc.
Classification: Uncertain significance for Wilson disease. Last evaluated: 2020-04-15. Review status: no assertion criteria provided. Collection method: clinical testing. Allele origin: germline. Not counted in ClinVar's aggregate classification.

Counsyl
Classification: Uncertain significance for Wilson disease. Last evaluated: 2017-11-30. Review status: no assertion criteria provided. Collection method: clinical testing. Allele origin: unknown. Not counted in ClinVar's aggregate classification.

Literature cited by the submitters: PubMed 24253677 (cited by Women's Health and Genetics/Laboratory Corporation of America, LabCorp and Laboratory for Molecular Medicine, Mass General Brigham Personalized Medicine); PubMed 36096368 (cited by Women's Health and Genetics/Laboratory Corporation of America, LabCorp and Color Diagnostics, LLC DBA Color Health); PubMed 40661833 (cited by Women's Health and Genetics/Laboratory Corporation of America, LabCorp).